The following is an entry in ClinVar:

NM_001457.4(FLNB):c.62C>G (p.Thr21Arg)

Gene: FLNB (filamin B; plus strand). Cytogenetic location: 3p14.3.
Variant type: single nucleotide variant.
Coding change: c.62C>G on transcript NM_001457.4 (MANE Select); coding-DNA position 62, C replaced by G.
Protein change: p.Thr21Arg; replaces threonine 21 with arginine.
Molecular consequence: missense variant.
Genome position (GRCh38, 1-based): chr3:58,008,626, C>G. VCF-style: chr3-58008626-C-G. GRCh37 (hg19) VCF-style: chr3-57994353-C-G.
Other names: c.62C>G, p.Thr21Arg (NM_001164317.2, NM_001164318.2, NM_001164319.2); short protein forms T21R.
Identifiers: ClinVar variation 2843092 (VCV002843092.3), dbSNP rs2477192945, ClinGen allele CA353412903.

ClinVar aggregate classification (germline): Uncertain significance (1 of 4 stars; one submission).

Submission:

Labcorp Genetics (formerly Invitae), Labcorp
Classification: Uncertain significance. Last evaluated: 2023-03-04. Review status: criteria provided, single submitter. Criteria: Invitae Variant Classification Sherloc (09022015). Collection method: clinical testing. Allele origin: germline.
Comment: This sequence change replaces threonine, which is neutral and polar, with arginine, which is basic and polar, at codon 21 of the FLNB protein (p.Thr21Arg). This variant is not present in population databases (gnomAD no frequency). This variant has not been reported in the literature in individuals affected with FLNB-related conditions. Advanced modeling of protein sequence and biophysical properties (such as structural, functional, and spatial information, amino acid conservation, physicochemical variation, residue mobility, and thermodynamic stability) has been performed at Invitae for this missense variant, however the output from this modeling did not meet the statistical confidence thresholds required to predict the impact of this variant on FLNB protein function. In summary, the available evidence is currently insufficient to determine the role of this variant in disease. Therefore, it has been classified as a Variant of Uncertain Significance.